The following is an entry in ClinVar:

NM_003052.5(SLC34A1):c.241dup (p.Glu81fs)

Gene: SLC34A1 (solute carrier family 34 member 1; plus strand). Cytogenetic location: 5q35.3.
Variant type: Duplication.
Coding change: c.241dup on transcript NM_003052.5 (MANE Select); coding-DNA position 241, one base duplicated (G; older notation c.241dupG).
Protein change: p.Glu81fs; shifts the reading frame from glutamic acid 81.
Molecular consequence: frameshift variant.
Genome position (GRCh38, 1-based): chr5:177,386,118, G duplicated; the last of 2 consecutive G bases (chr5:177,386,117-177,386,118); duplicating either gives the same sequence. VCF-style (leftmost placement, unchanged base first): chr5-177386116-T-TG. GRCh37 (hg19) VCF-style: chr5-176813117-T-TG.
Other names: c.241dup, p.Glu81fs (NM_001167579.2); short protein forms E81fs.
Identifiers: ClinVar variation 1457675 (VCV001457675.29), dbSNP rs1174958403, ClinGen allele CA564899496.

ClinVar aggregate classification (germline): Pathogenic. Review status: criteria provided, multiple submitters, no conflicts (2 of 4 stars). 3 submissions from 3 submitters: Pathogenic (3). Last evaluated 2025-06-30.

Conditions:
Hypercalcemia, infantile, 2 (HCINF2). Identifiers: Orphanet 300547, MedGen C4310473, MONDO:0014851, OMIM 616963.
Fanconi renotubular syndrome 2 (FRTS2). Identifiers: MedGen C3150652, MONDO:0013247, OMIM 613388.
Hypophosphatemic nephrolithiasis/osteoporosis 1. Identifiers: Orphanet 244305, MedGen C2676786, MONDO:0012850, OMIM 612286.

Submissions (3):

Labcorp Genetics (formerly Invitae), Labcorp
Classification: Pathogenic. Last evaluated: 2025-06-30. Review status: criteria provided, single submitter. Criteria: Invitae Variant Classification Sherloc (09022015). Collection method: clinical testing. Allele origin: germline.
Comment: This sequence change creates a premature translational stop signal (p.Glu81Glyfs*55) in the SLC34A1 gene. It is expected to result in an absent or disrupted protein product. Loss-of-function variants in SLC34A1 are known to be pathogenic (PMID: 26047794). This variant is present in population databases (no rsID available, gnomAD 0.0009%). This variant has not been reported in the literature in individuals affected with SLC34A1-related conditions. ClinVar contains an entry for this variant (Variation ID: 1457675). Algorithms developed to predict the effect of sequence changes on RNA splicing suggest that this variant may disrupt the consensus splice site. For these reasons, this variant has been classified as Pathogenic.

Rare Kidney Stone Consortium and the Mayo Clinic Hyperoxaluria Center, Mayo Clinic
Classification: Pathogenic for Fanconi renotubular syndrome 2; Hypercalcemia, infantile, 2; Hypophosphatemic nephrolithiasis/osteoporosis 1. Last evaluated: 2025-05-01. Review status: criteria provided, single submitter. Criteria: ACMG Guidelines, 2015. Collection method: research. Allele origin: germline. Affected: yes.
Comment: ACMG: PVS1, PM2, PP4

Oxford Medical Genetics Laboratories, Oxford University Hospitals NHS Foundation Trust
Classification: Pathogenic for Hypercalcemia, infantile, 2. Last evaluated: 2023-03-23. Review status: criteria provided, single submitter. Criteria: ACMG Guidelines, 2015. Collection method: clinical testing. Allele origin: germline. Affected: yes.

Literature cited by the submitters: PubMed 26047794 (cited by Labcorp Genetics (formerly Invitae), Labcorp); PubMed 34805638 (cited by Rare Kidney Stone Consortium and the Mayo Clinic Hyperoxaluria Center, Mayo Clinic).